The following is an entry in ClinVar:

ClinVar aggregate classification (germline): Likely benign. Review status: criteria provided, single submitter (1 of 4 stars). 2 submissions from 2 submitters: Likely benign (1). 1 of the submissions does not count toward it. Last evaluated 2022-03-03.

Conditions:
BUB3-related disorder. Also called: BUB3-related condition.

Allele frequency attached by ClinVar (database versions not stated): gnomAD exomes below 0.00001; ExAC 0.00001; gnomAD 0.00003; TOPMed 0.00003.
gnomAD v4.1: 8 of 1,604,380 alleles (0.0005%); highest among the groups gnomAD compares: African/African-American, 0.0081%; no homozygotes.

Submissions (2):

Ambry Genetics
Classification: Likely benign. Last evaluated: 2022-03-03. Review status: criteria provided, single submitter. Criteria: Ambry Variant Classification Scheme 2023. Collection method: clinical testing. Allele origin: germline.

PreventionGenetics, part of Exact Sciences
Classification: Likely benign for BUB3-related condition. Last evaluated: 2019-03-23. Review status: no assertion criteria provided. Collection method: clinical testing. Allele origin: germline. Not counted in ClinVar's aggregate classification.
Comment: This variant is classified as likely benign based on ACMG/AMP sequence variant interpretation guidelines (Richards et al. 2015 PMID: 25741868, with internal and published modifications).

NM_004725.4(BUB3):c.816C>T (p.Phe272=)

Gene: BUB3 (BUB3 mitotic checkpoint protein; plus strand). Cytogenetic location: 10q26.13.
Variant type: single nucleotide variant.
Coding change: c.816C>T on transcript NM_004725.4 (MANE Select); coding-DNA position 816, C replaced by T.
Protein change: p.Phe272=; no amino-acid change (phenylalanine 272 retained).
Molecular consequence: synonymous variant.
Genome position (GRCh38, 1-based): chr10:123,162,673, C>T. VCF-style: chr10-123162673-C-T. GRCh37 (hg19) VCF-style: chr10-124922189-C-T.
Other names: c.816C>T, p.Phe272= (NM_001007793.3).
Identifiers: ClinVar variation 1762262 (VCV001762262.3), dbSNP rs777836898, ClinGen allele CA5731663.